The following is an entry in ClinVar:

NM_006648.4(WNK2):c.2955G>A (p.Met985Ile)

Gene: WNK2 (WNK lysine deficient protein kinase 2; plus strand). Cytogenetic location: 9q22.31.
Variant type: single nucleotide variant.
Coding change: c.2955G>A on transcript NM_006648.4 (MANE Select); coding-DNA position 2955, G replaced by A.
Protein change: p.Met985Ile; replaces methionine 985 with isoleucine.
Molecular consequence: missense variant.
Genome position (GRCh38, 1-based): chr9:93,259,503, G>A. VCF-style: chr9-93259503-G-A. GRCh37 (hg19) VCF-style: chr9-96021785-G-A.
Other names: c.2955G>A, p.Met985Ile (NM_001282394.3); short protein forms M985I.
Identifiers: ClinVar variation 5031987 (VCV005031987.1).

ClinVar aggregate classification (germline): Uncertain significance (1 of 4 stars; one submission).

Submission:

Ambry Genetics
Classification: Uncertain significance. Last evaluated: 2026-09-12. Review status: criteria provided, single submitter. Criteria: Ambry Variant Classification Scheme 2023. Collection method: clinical testing. Allele origin: germline.
Comment: The p.M985I variant (also known as c.2955G>A), located in coding exon 11 of the WNK2 gene, results from a G to A substitution at nucleotide position 2955. The methionine at codon 985 is replaced by isoleucine, an amino acid with highly similar properties. This amino acid position is conserved. In addition, this alteration is predicted to be tolerated by in silico analysis. Based on the available evidence, the clinical significance of this variant remains unclear.